The following is an entry in ClinVar:

ClinVar aggregate classification (germline): Uncertain significance (1 of 4 stars; one submission).

Allele frequency attached by ClinVar (database versions not stated): gnomAD exomes 0.00001.
gnomAD v4.1: 8 of 1,613,746 alleles (0.0005%); highest among the groups gnomAD compares: Non-Finnish European, 0.00068%; no homozygotes.

Submission:

Labcorp Genetics (formerly Invitae), Labcorp
Classification: Uncertain significance. Last evaluated: 2021-09-15. Review status: criteria provided, single submitter. Criteria: Invitae Variant Classification Sherloc (09022015). Collection method: clinical testing. Allele origin: germline.
Comment: This sequence change replaces glutamic acid with lysine at codon 279 of the TUBA8 protein (p.Glu279Lys). The glutamic acid residue is highly conserved and there is a small physicochemical difference between glutamic acid and lysine. This variant is not present in population databases (ExAC no frequency). This variant has not been reported in the literature in individuals affected with TUBA8-related conditions. Algorithms developed to predict the effect of missense changes on protein structure and function (SIFT, PolyPhen-2, Align-GVGD) all suggest that this variant is likely to be tolerated. In summary, the available evidence is currently insufficient to determine the role of this variant in disease. Therefore, it has been classified as a Variant of Uncertain Significance.

NM_018943.3(TUBA8):c.835G>A (p.Glu279Lys)

Gene: TUBA8 (tubulin alpha 8; plus strand). Cytogenetic location: 22q11.21.
Variant type: single nucleotide variant.
Coding change: c.835G>A on transcript NM_018943.3 (MANE Select); coding-DNA position 835, G replaced by A.
Protein change: p.Glu279Lys; replaces glutamic acid 279 with lysine.
Molecular consequence: missense variant.
Genome position (GRCh38, 1-based): chr22:18,126,813, G>A. VCF-style: chr22-18126813-G-A. GRCh37 (hg19) VCF-style: chr22-18609580-G-A.
Other names: c.637G>A, p.Glu213Lys (NM_001193414.2); short protein forms E279K, E213K.
Identifiers: ClinVar variation 1375972 (VCV001375972.6), dbSNP rs2123705970, ClinGen allele CA410264505.